The following is an entry in ClinVar:

ClinVar aggregate classification (germline): Pathogenic. Review status: criteria provided, multiple submitters, no conflicts (2 of 4 stars). 2 submissions from 2 submitters: Pathogenic (2). Last evaluated 2025-09-11.

Conditions:
Platelet abnormalities with eosinophilia and immune-mediated inflammatory disease. Also called: IMMUNODEFICIENCY 71 WITH INFLAMMATORY DISEASE AND CONGENITAL THROMBOCYTOPENIA. Identifiers: MedGen C4540232, MONDO:0060583, OMIM 617718.

Allele frequency attached by ClinVar (database versions not stated): gnomAD exomes below 0.00001.
gnomAD v4.1: 1 of 1,607,994 alleles (0.000062%); highest among the groups gnomAD compares: South Asian, 0.0011%; no homozygotes.

Submissions (2):

Labcorp Genetics (formerly Invitae), Labcorp
Classification: Pathogenic. Last evaluated: 2025-09-11. Review status: criteria provided, single submitter. Criteria: Invitae Variant Classification Sherloc (09022015). Collection method: clinical testing. Allele origin: germline.
Comment: This sequence change affects a donor splice site in intron 2 of the ARPC1B gene. It is expected to disrupt RNA splicing. Variants that disrupt the donor or acceptor splice site typically lead to a loss of protein function (PMID: 16199547), and loss-of-function variants in ARPC1B are known to be pathogenic (PMID: 27965109, 28368018, 29127144). This variant is not present in population databases (gnomAD no frequency). Disruption of this splice site has been observed in individuals with ARPC1B-related conditions (PMID: 30771411). ClinVar contains an entry for this variant (Variation ID: 2418950). Algorithms developed to predict the effect of sequence changes on RNA splicing suggest that this variant may disrupt the consensus splice site. For these reasons, this variant has been classified as Pathogenic.

Neuberg Centre For Genomic Medicine, NCGM
Classification: Pathogenic for Platelet abnormalities with eosinophilia and immune-mediated inflammatory disease. Review status: criteria provided, single submitter. Criteria: ACMG Guidelines, 2015. Collection method: clinical testing. Allele origin: germline. Inheritance: Autosomal recessive inheritance. Affected: yes.

Literature cited by the submitters: PubMed 16199547 (cited by Labcorp Genetics (formerly Invitae), Labcorp); PubMed 27965109 (cited by Labcorp Genetics (formerly Invitae), Labcorp); PubMed 28368018 (cited by Labcorp Genetics (formerly Invitae), Labcorp); PubMed 29127144 (cited by Labcorp Genetics (formerly Invitae), Labcorp); PubMed 30771411 (cited by Labcorp Genetics (formerly Invitae), Labcorp).

NM_005720.4(ARPC1B):c.64+2T>A

Gene: ARPC1B (actin related protein 2/3 complex subunit 1B; plus strand). Cytogenetic location: 7q22.1.
Variant type: single nucleotide variant.
Coding change: c.64+2T>A on transcript NM_005720.4 (MANE Select); the canonical splice donor site of the intron after coding-DNA position 64, T replaced by A.
Molecular consequence: splice donor variant.
Genome position (GRCh38, 1-based): chr7:99,385,780, T>A. VCF-style: chr7-99385780-T-A. GRCh37 (hg19) VCF-style: chr7-98983403-T-A.
Identifiers: ClinVar variation 2418950 (VCV002418950.7), dbSNP rs2484628438, ClinGen allele CA368313714.